The following is an entry in ClinVar:

NM_000565.4(IL6R):c.9_15del (p.Val4fs)

Genes: IL6R (interleukin 6 receptor; plus strand), IL6R-AS1 (IL6R antisense RNA 1; minus strand). Cytogenetic location: 1q21.3.
Variant type: Deletion.
Coding change: c.9_15del on transcript NM_000565.4 (MANE Select); coding-DNA positions 9 to 15, 7 bases deleted (CGTCGGC; older notation c.9_15delCGTCGGC).
Protein change: p.Val4fs; shifts the reading frame from valine 4.
Molecular consequence: frameshift variant.
Genome position (GRCh38, 1-based): chr1:154,405,638-154,405,644, CGTCGGC deleted; deleting any 7 consecutive bases within chr1:154,405,635-154,405,644 gives the same sequence; the c. name uses the placement nearest the transcript's 3' end. VCF-style (leftmost placement, unchanged base first): chr1-154405634-TGGCCGTC-T. GRCh37 (hg19) VCF-style: chr1-154378110-TGGCCGTC-T.
Other names: c.9_15del, p.Val4fs (NM_001206866.2, NM_001382769.1, NM_001382770.1 and 5 more transcripts); short protein forms V4fs.
Identifiers: ClinVar variation 1374189 (VCV001374189.6), dbSNP rs1687658446, ClinGen allele CA2480855336.

ClinVar aggregate classification (germline): Uncertain significance (1 of 4 stars; one submission).

Submission:

Labcorp Genetics (formerly Invitae), Labcorp
Classification: Uncertain significance. Last evaluated: 2021-08-11. Review status: criteria provided, single submitter. Criteria: Invitae Variant Classification Sherloc (09022015). Collection method: clinical testing. Allele origin: germline.
Comment: In summary, the available evidence is currently insufficient to determine the role of this variant in disease. Therefore, it has been classified as a Variant of Uncertain Significance. This variant has not been reported in the literature in individuals affected with IL6R-related conditions. The frequency data for this variant in the population databases is considered unreliable, as metrics indicate insufficient coverage at this position in the ExAC database. This sequence change creates a premature translational stop signal (p.Val4Alafs*30) in the IL6R gene. It is expected to result in an absent or disrupted protein product. However, the current clinical and genetic evidence is not sufficient to establish whether loss-of-function variants in IL6R cause disease.